The following is an entry in ClinVar:

ClinVar aggregate classification (germline): Uncertain significance (1 of 4 stars; one submission).

Conditions:
Bloom syndrome (BLM). Also called: Bloom-Torre-Machacek syndrome. Identifiers: Orphanet 125, MedGen C0005859, MONDO:0008876, OMIM 210900.

Submission:

Labcorp Genetics (formerly Invitae), Labcorp
Classification: Uncertain significance for Bloom syndrome. Last evaluated: 2022-01-11. Review status: criteria provided, single submitter. Criteria: Invitae Variant Classification Sherloc (09022015). Collection method: clinical testing. Allele origin: germline.
Comment: This sequence change replaces serine, which is neutral and polar, with tyrosine, which is neutral and polar, at codon 1373 of the BLM protein (p.Ser1373Tyr). This variant is not present in population databases (gnomAD no frequency). This variant has not been reported in the literature in individuals affected with BLM-related conditions. Algorithms developed to predict the effect of missense changes on protein structure and function (SIFT, PolyPhen-2, Align-GVGD) all suggest that this variant is likely to be tolerated. In summary, the available evidence is currently insufficient to determine the role of this variant in disease. Therefore, it has been classified as a Variant of Uncertain Significance.

NM_000057.4(BLM):c.4118C>A (p.Ser1373Tyr)

Gene: BLM (BLM RecQ like helicase; plus strand). Cytogenetic location: 15q26.1.
Variant type: single nucleotide variant.
Coding change: c.4118C>A on transcript NM_000057.4 (MANE Select); coding-DNA position 4118, C replaced by A.
Protein change: p.Ser1373Tyr; replaces serine 1373 with tyrosine.
Molecular consequence: missense variant.
Genome position (GRCh38, 1-based): chr15:90,815,143, C>A. VCF-style: chr15-90815143-C-A. GRCh37 (hg19) VCF-style: chr15-91358373-C-A.
Other names: c.4118C>A, p.Ser1373Tyr (NM_001287246.2); c.3725C>A, p.Ser1242Tyr (NM_001287247.2); c.2993C>A, p.Ser998Tyr (NM_001287248.2); short protein forms S1242Y, S1373Y, S998Y.
Identifiers: ClinVar variation 2080486 (VCV002080486.4), dbSNP rs2505575225, ClinGen allele CA393852185.